The following is an entry in ClinVar:

ClinVar aggregate classification (germline): Uncertain significance (1 of 4 stars; one submission).

Conditions:
Oligodontia-cancer predisposition syndrome. Also called: TOOTH AGENESIS-COLORECTAL CANCER SYNDROME. Identifiers: Orphanet 300576, MedGen C1837750, MONDO:0012075, OMIM 608615. Disease mechanism: loss of function.

Submission:

Labcorp Genetics (formerly Invitae), Labcorp
Classification: Uncertain significance for Oligodontia-cancer predisposition syndrome. Last evaluated: 2023-05-25. Review status: criteria provided, single submitter. Criteria: Invitae Variant Classification Sherloc (09022015). Collection method: clinical testing. Allele origin: germline.
Comment: In summary, the available evidence is currently insufficient to determine the role of this variant in disease. Therefore, it has been classified as a Variant of Uncertain Significance. Algorithms developed to predict the effect of sequence changes on RNA splicing suggest that this variant may disrupt the consensus splice site. This variant has not been reported in the literature in individuals affected with AXIN2-related conditions. This variant is not present in population databases (gnomAD no frequency). This sequence change falls in intron 6 of the AXIN2 gene. It does not directly change the encoded amino acid sequence of the AXIN2 protein.

NM_004655.4(AXIN2):c.1713-19G>A

Gene: AXIN2 (axin 2; minus strand). Cytogenetic location: 17q24.1.
Variant type: single nucleotide variant.
Coding change: c.1713-19G>A on transcript NM_004655.4 (MANE Select); 19 bases into the intron before coding-DNA position 1713, G replaced by A.
Molecular consequence: intron variant.
Genome position (GRCh38, 1-based): chr17:65,537,082, C>T on the plus strand (G>A on the coding strand, the complement: AXIN2 is on the minus strand). VCF-style: chr17-65537082-C-T. GRCh37 (hg19) VCF-style: chr17-63533200-C-T.
Other names: c.1712+242G>A (NM_001363813.1).
Identifiers: ClinVar variation 2719499 (VCV002719499.3), dbSNP rs2509409358, ClinGen allele CA2697555092.
Genomic context (GRCh38, chr17:65,537,082, plus strand): 5'-CCTTTCCCATTGCGTTTGGGCAAGGTACTGCCTCTGCTGCCGCTGTGGGGAACCAAGAAC[C>T]ACACCCAACCCAGAGACCCGGTTAAATCTCCGGGACTCCTAGAATCAGACAATTCAGCAA-3'